The following is an entry in ClinVar:

NM_005876.5(SPEG):c.2065C>G (p.Arg689Gly)

Gene: SPEG (striated muscle enriched protein kinase; plus strand). Cytogenetic location: 2q35.
Variant type: single nucleotide variant.
Coding change: c.2065C>G on transcript NM_005876.5 (MANE Select); coding-DNA position 2065, C replaced by G.
Protein change: p.Arg689Gly; replaces arginine 689 with glycine.
Molecular consequence: missense variant.
Genome position (GRCh38, 1-based): chr2:219,449,223, C>G. VCF-style: chr2-219449223-C-G. GRCh37 (hg19) VCF-style: chr2-220313945-C-G.
Other names: c.2095C>G, p.Arg699Gly (NM_001438924.1); c.1888C>G, p.Arg630Gly (NM_001438925.1); c.1783C>G, p.Arg595Gly (NM_001438926.1, NM_001438929.1); c.1753C>G, p.Arg585Gly (NM_001438927.1); c.1606C>G, p.Arg536Gly (NM_001438928.1, NM_001438933.1); c.1576C>G, p.Arg526Gly (NM_001438930.1, NM_001438934.1); c.1726C>G, p.Arg576Gly (NM_001438931.1); c.1519C>G, p.Arg507Gly (NM_001438932.1); short protein forms R576G, R585G, R595G, R630G, R689G, R699G, R507G, R526G.
Identifiers: ClinVar variation 4082516 (VCV004082516.2).
Genomic context (GRCh38, chr2:219,449,223, plus strand): 5'-AGGCTTCGCAGAGGGCCGGAGGAGGACGGTCCCTGGGGGCCCTGGGACCGCCGAGGGGCC[C>G]GCAGCCAGGGCAAAGGTCGCCGGGCCCGGCCCACCTCCCCTGAGCTCGGTAAGGCCTCAG-3'
Protein context (NP_005867.3, residues 679-699): PWGPWDRRGA[Arg689Gly]SQGKGRRARP

ClinVar aggregate classification (germline): Uncertain significance (1 of 4 stars; one submission).

gnomAD v4.1: 7 of 1,392,316 alleles (0.0005%); highest among the groups gnomAD compares: Admixed American, 0.0037%; no homozygotes.

Submission:

Genetic Services Laboratory, University of Chicago
Classification: Uncertain significance. Last evaluated: 2023-01-07. Review status: criteria provided, single submitter. Criteria: ACMG Guidelines, 2015. Collection method: clinical testing. Allele origin: germline. Affected: no.
Comment: DNA sequence analysis of the SPEG gene demonstrated a sequence change, c.2065C>G, in exon 4 that results in an amino acid change, p.Arg689Gly. This sequence change does not appear to have been previously described in individuals with SPEG-related disorders and has also not been described in population databases such as ExAC and gnomAD. The p.Arg689Gly change affects a moderately conserved amino acid residue located in a domain of the SPEG protein that is not known to be functional. In-silico pathogenicity prediction tools (SIFT, PolyPhen2, Align GVGD, REVEL) provide contradictory results for the p.Arg689Gly substitution. Due to insufficient evidences and the lack of functional studies, the clinical significance of the p.Arg689Gly change remains unknown at this time.